The following is an entry in ClinVar:

ClinVar aggregate classification (germline): Uncertain significance (1 of 4 stars; one submission).

Submission:

Labcorp Genetics (formerly Invitae), Labcorp
Classification: Uncertain significance. Last evaluated: 2025-06-04. Review status: criteria provided, single submitter. Criteria: Invitae Variant Classification Sherloc (09022015). Collection method: clinical testing. Allele origin: germline.
Comment: This sequence change replaces threonine, which is neutral and polar, with arginine, which is basic and polar, at codon 265 of the CHD8 protein (p.Thr265Arg). This variant is not present in population databases (gnomAD no frequency). This variant has not been reported in the literature in individuals affected with CHD8-related conditions. ClinVar contains an entry for this variant (Variation ID: 2966407). Invitae Evidence Modeling of protein sequence and biophysical properties (such as structural, functional, and spatial information, amino acid conservation, physicochemical variation, residue mobility, and thermodynamic stability) indicates that this missense variant is not expected to disrupt CHD8 protein function with a negative predictive value of 95%. In summary, the available evidence is currently insufficient to determine the role of this variant in disease. Therefore, it has been classified as a Variant of Uncertain Significance.

NM_001170629.2(CHD8):c.794C>G (p.Thr265Arg)

Gene: CHD8 (chromodomain helicase DNA binding protein 8; minus strand). Cytogenetic location: 14q11.2.
Variant type: single nucleotide variant.
Coding change: c.794C>G on transcript NM_001170629.2 (MANE Select); coding-DNA position 794, C replaced by G.
Protein change: p.Thr265Arg; replaces threonine 265 with arginine.
Molecular consequence: missense variant. On other transcripts: intron variant (1).
Genome position (GRCh38, 1-based): chr14:21,430,850, G>C on the plus strand (C>G on the coding strand, the complement: CHD8 is on the minus strand). VCF-style: chr14-21430850-G-C. GRCh37 (hg19) VCF-style: chr14-21899009-G-C.
Other names: c.6+961C>G (NM_020920.4); short protein forms T265R.
Identifiers: ClinVar variation 2966407 (VCV002966407.3), dbSNP rs2502014038, ClinGen allele CA388886200.